The following is an entry in ClinVar:

NM_014908.4(DOLK):c.848C>G (p.Pro283Arg)

Gene: DOLK (dolichol kinase; minus strand). Cytogenetic location: 9q34.11.
Variant type: single nucleotide variant.
Coding change: c.848C>G on transcript NM_014908.4 (MANE Select); coding-DNA position 848, C replaced by G.
Protein change: p.Pro283Arg; replaces proline 283 with arginine.
Molecular consequence: missense variant.
Genome position (GRCh38, 1-based): chr9:128,946,456, G>C on the plus strand (C>G on the coding strand, the complement: DOLK is on the minus strand). VCF-style: chr9-128946456-G-C. GRCh37 (hg19) VCF-style: chr9-131708735-G-C.
Other names: short protein forms P283R.
Identifiers: ClinVar variation 5035561 (VCV005035561.1).

ClinVar aggregate classification (germline): Uncertain significance (1 of 4 stars; one submission).

Conditions:
Cardiovascular phenotype. Identifiers: MedGen CN230736.

Submission:

Ambry Genetics
Classification: Uncertain significance for Cardiovascular phenotype. Last evaluated: 2026-07-26. Review status: criteria provided, single submitter. Criteria: Ambry Variant Classification Scheme 2023. Collection method: clinical testing. Allele origin: germline.
Comment: The p.P283R variant (also known as c.848C>G), located in coding exon 1 of the DOLK gene, results from a C to G substitution at nucleotide position 848. The proline at codon 283 is replaced by arginine, an amino acid with dissimilar properties. This amino acid position is conserved. In addition, this alteration is predicted to be deleterious by in silico analysis. Based on the available evidence, the clinical significance of this variant remains unclear.